The following is an entry in ClinVar:

NM_000138.5(FBN1):c.6746A>G (p.Asp2249Gly)

Gene: FBN1 (fibrillin 1; minus strand). Cytogenetic location: 15q21.1.
Variant type: single nucleotide variant.
Coding change: c.6746A>G on transcript NM_000138.5 (MANE Select); coding-DNA position 6746, A replaced by G.
Protein change: p.Asp2249Gly; replaces aspartic acid 2249 with glycine.
Molecular consequence: missense variant.
Genome position (GRCh38, 1-based): chr15:48,430,796, T>C on the plus strand (A>G on the coding strand, the complement: FBN1 is on the minus strand). VCF-style: chr15-48430796-T-C. GRCh37 (hg19) VCF-style: chr15-48722993-T-C.
Other names: short protein forms D2249G.
Identifiers: ClinVar variation 42409 (VCV000042409.15), dbSNP rs397515838, ClinGen allele CA016719.

ClinVar aggregate classification (germline): Uncertain significance. Review status: criteria provided, multiple submitters, no conflicts (2 of 4 stars). 4 submissions from 4 submitters: Uncertain significance (4). Last evaluated 2025-07-07.

Conditions:
Marfan syndrome (MFS). Also called: FBN1-Related Marfan Syndrome; Marfan syndrome, classic; MARFAN SYNDROME, TYPE I; Marfan syndrome type 1; Marfan's syndrome. Identifiers: Orphanet 284963, Orphanet 558, MedGen C0024796, MONDO:0007947, OMIM 154700.
Familial thoracic aortic aneurysm and aortic dissection (TAAD). Also called: Thoracic aortic aneurysms and dissections. Identifiers: Orphanet 91387, MedGen C4707243, MONDO:0019625.

Submissions (4):

Women's Health and Genetics/Laboratory Corporation of America, LabCorp
Classification: Uncertain significance. Last evaluated: 2025-07-07. Review status: criteria provided, single submitter. Criteria: LabCorp Variant Classification Summary - May 2015. Collection method: clinical testing. Allele origin: germline.
Comment: Variant summary: FBN1 c.6746A>G (p.Asp2249Gly) results in a non-conservative amino acid change in the encoded protein sequence. Algorithms developed to predict the effect of missense changes on protein structure and function all suggest that this variant is likely to be disruptive. The variant was absent in 250764 control chromosomes (gnomAD). The available data on variant occurrences in the general population are insufficient to allow any conclusion about variant significance. c.6746A>G has been observed in individuals affected with Marfan Syndrome (Lerner-Ellis_2014, internal data). To our knowledge, no experimental evidence demonstrating an impact on protein function has been reported. The following publications have been ascertained in the context of this evaluation (PMID: 24793577). ClinVar contains an entry for this variant (Variation ID: 42409). Based on the evidence outlined above, the variant was classified as uncertain significance.

Color Diagnostics, LLC DBA Color Health
Classification: Uncertain significance for Familial thoracic aortic aneurysm and aortic dissection. Last evaluated: 2024-09-09. Review status: criteria provided, single submitter. Criteria: ACMG Guidelines, 2015. Collection method: clinical testing. Allele origin: germline.
Comment: This missense variant replaces aspartic acid with glycine at codon 2249 of the FBN1 protein. Computational prediction tools indicate that this variant has a deleterious impact on protein structure and function. This variant changes the second aspartic acid residue in the calcium-binding consensus sequence D/N-x-D/N-E/Q- Xm-D/N-Xn-Y/F in a cbEGF-like domain of the FBN1 protein and is expected to adversely affect FBN1 protein function (PMID: 31227806). To our knowledge, functional studies have not been reported for this variant. This variant has been reported in an individual suspected to be affected with a connective tissue disorder (PMID: 24793577). This variant has not been identified in the general population by the Genome Aggregation Database (gnomAD). The available evidence is insufficient to determine the role of this variant in disease conclusively. Therefore, this variant is classified as a Variant of Uncertain Significance.

Labcorp Genetics (formerly Invitae), Labcorp
Classification: Uncertain significance for Marfan syndrome; Familial thoracic aortic aneurysm and aortic dissection. Last evaluated: 2023-09-30. Review status: criteria provided, single submitter. Criteria: Invitae Variant Classification Sherloc (09022015). Collection method: clinical testing. Allele origin: germline.
Comment: This sequence change replaces aspartic acid, which is acidic and polar, with glycine, which is neutral and non-polar, at codon 2249 of the FBN1 protein (p.Asp2249Gly). This variant is not present in population databases (gnomAD no frequency). This missense change has been observed in individual(s) with Marfan syndrome (PMID: 24793577; Invitae). ClinVar contains an entry for this variant (Variation ID: 42409). Advanced modeling of protein sequence and biophysical properties (such as structural, functional, and spatial information, amino acid conservation, physicochemical variation, residue mobility, and thermodynamic stability) performed at Invitae indicates that this missense variant is expected to disrupt FBN1 protein function. In summary, the available evidence is currently insufficient to determine the role of this variant in disease. Therefore, it has been classified as a Variant of Uncertain Significance.

Laboratory for Molecular Medicine, Mass General Brigham Personalized Medicine
Classification: Uncertain significance. Last evaluated: 2008-12-05. Review status: criteria provided, single submitter. Criteria: LMM Criteria. Collection method: clinical testing. Allele origin: germline. Observed: 1 variant allele.

Literature cited by the submitters: PubMed 24793577 (cited by 3 submitters); PubMed 31227806 (cited by Color Diagnostics, LLC DBA Color Health).